The following is an entry in ClinVar:

NC_000020.10:g.(?_60831241)_(62051045_?)dup

Genes: ADRM1 (ADRM1 26S proteasome ubiquitin receptor; plus strand), ARFGAP1 (ARF GTPase activating protein 1; plus strand), BHLHE23 (basic helix-loop-helix family member e23; minus strand), BIRC7 (baculoviral IAP repeat containing 7; plus strand), CABLES2 (Cdk5 and Abl enzyme substrate 2; minus strand) and 24 more. Cytogenetic location: 20q13.33.
Variant type: Duplication.
Identifiers: ClinVar variation 3248249 (VCV003248249.1).

ClinVar aggregate classification (germline): Uncertain significance (1 of 4 stars; one submission).

Conditions:
Developmental and epileptic encephalopathy. Identifiers: MedGen C5779964, MONDO:0100620.

Submission:

Labcorp Genetics (formerly Invitae), Labcorp
Classification: Uncertain significance for Early-infantile DEE. Last evaluated: 2022-10-31. Review status: criteria provided, single submitter. Criteria: Invitae Variant Classification Sherloc (09022015). Collection method: clinical testing. Allele origin: unknown.
Comment: In summary, the available evidence is currently insufficient to determine the role of this variant in disease. Therefore, it has been classified as a Variant of Uncertain Significance. This variant has not been reported in the literature in individuals affected with KCNQ2-related conditions. This variant results in a copy number gain of the genomic region encompassing exon(s) 12-17 of the KCNQ2 gene. This region includes the termination codon of the gene. This copy number gain extends beyond the assayed region for this gene and therefore may encompass additional genes. As the precise location of this event is unknown, it may be in tandem or it may be located elsewhere in the genome.